The following is an entry in ClinVar:

NM_001039876.3(SYNE4):c.-22T>G

Gene: SYNE4 (spectrin repeat containing nuclear envelope family member 4; minus strand). Cytogenetic location: 19q13.12.
Variant type: single nucleotide variant.
Coding change: c.-22T>G on transcript NM_001039876.3 (MANE Select); 22 bases upstream of the start codon, T replaced by G.
Molecular consequence: 5 prime UTR variant.
Genome position (GRCh38, 1-based): chr19:36,008,703, A>C on the plus strand (T>G on the coding strand, the complement: SYNE4 is on the minus strand). VCF-style: chr19-36008703-A-C. GRCh37 (hg19) VCF-style: chr19-36499605-A-C.
Other names: c.-22T>G (NM_001297735.3).
Identifiers: ClinVar variation 512850 (VCV000512850.2), dbSNP rs199545681, ClinGen allele CA9394077.

ClinVar aggregate classification (germline): Likely benign. Review status: criteria provided, multiple submitters, no conflicts (2 of 4 stars). 2 submissions from 2 submitters: Likely benign (2). Last evaluated 2017-11-13.

Allele frequency attached by ClinVar (database versions not stated): gnomAD exomes 0.00052 and 0.00135; ExAC 0.00190; 1000 Genomes Project 30x 0.00437; ESP Exome Variant Server 0.00471; 1000 Genomes Project 0.00479; gnomAD 0.00533 and 0.00589; TOPMed 0.00609.

Submissions (2):

GeneDx
Classification: Likely benign. Last evaluated: 2017-11-13. Review status: criteria provided, single submitter. Criteria: GeneDx Variant Classification (06012015). Collection method: clinical testing. Allele origin: germline. Affected: yes.
Comment: This variant is considered likely benign or benign based on one or more of the following criteria: it is a conservative change, it occurs at a poorly conserved position in the protein, it is predicted to be benign by multiple in silico algorithms, and/or has population frequency not consistent with disease.

Breakthrough Genomics
Classification: Likely benign. Review status: criteria provided, single submitter. Criteria: ACMG Guidelines, 2015. Collection method: not provided. Allele origin: germline. Inheritance: Autosomal recessive inheritance. Affected: yes.